The following is an entry in ClinVar:

NM_001330078.2(NRXN1):c.217G>C (p.Glu73Gln)

Gene: NRXN1 (neurexin 1; minus strand). Cytogenetic location: 2p16.3.
Variant type: single nucleotide variant.
Coding change: c.217G>C on transcript NM_001330078.2 (MANE Select); coding-DNA position 217, G replaced by C.
Protein change: p.Glu73Gln; replaces glutamic acid 73 with glutamine.
Molecular consequence: missense variant.
Genome position (GRCh38, 1-based): chr2:51,028,057, C>G on the plus strand (G>C on the coding strand, the complement: NRXN1 is on the minus strand). VCF-style: chr2-51028057-C-G. GRCh37 (hg19) VCF-style: chr2-51255195-C-G.
Other names: c.217G>C, p.Glu73Gln (NM_001135659.3, NM_001330077.2, NM_001330079.2 and 15 more transcripts); short protein forms E73Q.
Identifiers: ClinVar variation 3378065 (VCV003378065.1).
Genomic context (GRCh38, chr2:51,028,057, plus strand): 5'-AGCTGAGCTGCAGGCGGCCGCCGCGCGTCAGAATCAGCTCCAGGAAGTCGCAGAAGCCCT[C>G]GTCGTCGAAGTAGAGCACGAGGCCGCGGGCGCTGCGAGTCTTGAGCTGGAAGCTCATCTC-3'
Protein context (NP_001317007.1, residues 63-83): ARGLVLYFDD[Glu73Gln]GFCDFLELIL

ClinVar aggregate classification (germline): Uncertain significance (1 of 4 stars; one submission).

gnomAD v4.1: 1 of 1,598,056 alleles (0.000063%); highest among the groups gnomAD compares: Non-Finnish European, 0.000085%; no homozygotes.

Submission:

GeneDx
Classification: Uncertain significance. Last evaluated: 2024-05-13. Review status: criteria provided, single submitter. Criteria: GeneDx Variant Classification Process June 2021. Collection method: clinical testing. Allele origin: germline. Affected: yes.
Comment: Not observed at significant frequency in large population cohorts (gnomAD); In silico analysis indicates that this missense variant does not alter protein structure/function; Has not been previously published as pathogenic or benign to our knowledge